The following is an entry in ClinVar:

ClinVar aggregate classification (germline): Uncertain significance (1 of 4 stars; one submission).

Conditions:
Hereditary cancer-predisposing syndrome. Also called: Hereditary neoplastic syndrome; Neoplastic Syndromes, Hereditary; Tumor predisposition; Hereditary Cancer Syndrome. Identifiers: Orphanet 140162, MedGen C0027672, MeSH D009386, MONDO:0015356.

Submission:

Ambry Genetics
Classification: Uncertain significance for Hereditary cancer-predisposing syndrome. Last evaluated: 2025-07-04. Review status: criteria provided, single submitter. Criteria: Ambry Variant Classification Scheme 2023. Collection method: clinical testing. Allele origin: germline.
Comment: The p.L684P variant (also known as c.2051T>C), located in coding exon 12 of the PMS2 gene, results from a T to C substitution at nucleotide position 2051. The leucine at codon 684 is replaced by proline, an amino acid with similar properties. This amino acid position is conserved. In addition, this alteration is predicted to be deleterious by in silico analysis. Based on the available evidence, the clinical significance of this variant remains unclear.

NM_000535.7(PMS2):c.2051T>C (p.Leu684Pro)

Gene: PMS2 (PMS1 homolog 2, mismatch repair system component; minus strand). Cytogenetic location: 7p22.1.
Variant type: single nucleotide variant.
Coding change: c.2051T>C on transcript NM_000535.7 (MANE Select); coding-DNA position 2051, T replaced by C.
Protein change: p.Leu684Pro; replaces leucine 684 with proline.
Molecular consequence: missense variant. On other transcripts: non-coding transcript variant (1), intron variant (4).
Genome position (GRCh38, 1-based): chr7:5,982,947, A>G on the plus strand (T>C on the coding strand, the complement: PMS2 is on the minus strand). VCF-style: chr7-5982947-A-G. GRCh37 (hg19) VCF-style: chr7-6022578-A-G.
Other names: c.1853T>C, p.Leu618Pro (NM_001406873.1); c.1883T>C, p.Leu628Pro (NM_001406874.1); c.1742T>C, p.Leu581Pro (NM_001406875.1, NM_001406877.1, NM_001406878.1 and 5 more transcripts); c.1733T>C, p.Leu578Pro (NM_001406876.1, NM_001322007.2, NM_001322008.2 and 1 more transcripts); c.1646T>C, p.Leu549Pro (NM_001406892.1, NM_001406893.1, NM_001406894.1 and 14 more transcripts); c.1586T>C, p.Leu529Pro (NM_001406900.1); c.1577T>C, p.Leu526Pro (NM_001406901.1, NM_001406902.1); c.1895T>C, p.Leu632Pro (NM_001322006.2, NM_001406870.1); and 16 more; short protein forms L427P, L572P, L628P, L283P, L497P, L513P, L526P, L578P.
Identifiers: ClinVar variation 4140472 (VCV004140472.1).
Genomic context (GRCh38, chr7:5,982,947, plus strand): 5'-TCCGTGGCATGCTGGTCCACTATGAAGATATCCTCATTCAGTTTGGTTATTATAAATCCC[A>G]GGTTAAACTGACCAATGATTTCCATTTCTGCAAACATCGTTTTACTGCAGGTAGAAAATG-3'
Protein context (NP_000526.2, residues 674-694): AEMEIIGQFN[Leu684Pro]GFIITKLNED